The following is an entry in ClinVar:

ClinVar aggregate classification (germline): Uncertain significance. Review status: criteria provided, multiple submitters, no conflicts (2 of 4 stars). 2 submissions from 2 submitters: Uncertain significance (2). Last evaluated 2023-12-11.

Conditions:
3-Methylglutaconic aciduria type 2 (BTHS). Also called: Barth syndrome; CARDIOSKELETAL MYOPATHY WITH NEUTROPENIA AND ABNORMAL MITOCHONDRIA. Identifiers: Orphanet 111, MedGen C0574083, MONDO:0010543, OMIM 302060.

Allele frequency attached by ClinVar (database versions not stated): gnomAD exomes below 0.00001; TOPMed 0.00001.
gnomAD v4.1: 4 of 1,212,289 alleles (0.00033%); highest among the groups gnomAD compares: Non-Finnish European, 0.00045%; no homozygotes.

Submissions (2):

Labcorp Genetics (formerly Invitae), Labcorp
Classification: Uncertain significance for 3-Methylglutaconic aciduria type 2. Last evaluated: 2023-12-11. Review status: criteria provided, single submitter. Criteria: Invitae Variant Classification Sherloc (09022015). Collection method: clinical testing. Allele origin: germline.
Comment: This sequence change replaces phenylalanine, which is neutral and non-polar, with leucine, which is neutral and non-polar, at codon 112 of the TAZ protein (p.Phe112Leu). This variant is not present in population databases (gnomAD no frequency). This variant has not been reported in the literature in individuals affected with TAZ-related conditions. ClinVar contains an entry for this variant (Variation ID: 1055193). An algorithm developed to predict the effect of missense changes on protein structure and function (PolyPhen-2) suggests that this variant is likely to be disruptive. In summary, the available evidence is currently insufficient to determine the role of this variant in disease. Therefore, it has been classified as a Variant of Uncertain Significance.

Johns Hopkins Genomics, Johns Hopkins University
Classification: Uncertain significance for 3-Methylglutaconic aciduria type 2. Last evaluated: 2022-12-14. Review status: criteria provided, single submitter. Criteria: ACMG Guidelines, 2015. Collection method: clinical testing. Allele origin: germline.
Comment: This TAZ missense variant is absent from a large population dataset. It has been reported in ClinVar (Variation ID 1055193), but has not been reported in the literature, to our knowledge. Two bioinformatic tools queried predict that this substitution would be damaging, and the phenylalanine residue at this position is evolutionarily conserved across all of the species assessed. We consider the clinical significance of c.334T>C; p.Phe112Leu in TAZ to be uncertain at this time.

Literature cited by the submitters: PubMed 31647997 (cited by Johns Hopkins Genomics, Johns Hopkins University).

NM_000116.5(TAFAZZIN):c.334T>C (p.Phe112Leu)

Gene: TAFAZZIN (tafazzin, phospholipid-lysophospholipid transacylase; plus strand). Cytogenetic location: Xq28.
Variant type: single nucleotide variant.
Coding change: c.334T>C on transcript NM_000116.5 (MANE Select); coding-DNA position 334, T replaced by C.
Protein change: p.Phe112Leu; replaces phenylalanine 112 with leucine.
Molecular consequence: missense variant. On other transcripts: non-coding transcript variant (1).
Genome position (GRCh38, 1-based): chrX:154,413,531, T>C. VCF-style: chrX-154413531-T-C. GRCh37 (hg19) VCF-style: chrX-153641868-T-C.
Other names: c.334T>C (NM_000116.4); c.388T>C, p.Phe130Leu (NM_001303465.2); c.334T>C, p.Phe112Leu (NM_181311.4, NM_181312.4, NM_181313.4); short protein forms F112L, F130L.
Identifiers: ClinVar variation 1055193 (VCV001055193.6), dbSNP rs1281729528, ClinGen allele CA415181887.